The following is an entry in ClinVar:

ClinVar aggregate classification (germline): Uncertain significance (1 of 4 stars; one submission).

Conditions:
Episodic ataxia type 2 (EA2). Also called: ATAXIA, EPISODIC, WITH NYSTAGMUS; ATAXIA, FAMILIAL PAROXYSMAL; ACETAZOLAMIDE-RESPONSIVE HEREDITARY PAROXYSMAL CEREBELLAR ATAXIA; CEREBELLAR ATAXIA, PAROXYSMAL, ACETAZOLAMIDE-RESPONSIVE; CEREBELLOPATHY, HEREDITARY PAROXYSMAL; EPISODIC ATAXIA, NYSTAGMUS-ASSOCIATED. Identifiers: Orphanet 97, MedGen C1720416, MONDO:0007163, OMIM 108500.
Developmental and epileptic encephalopathy, 42 (DEE42A). Also called: Epileptic encephalopathy, early infantile, 42; DEVELOPMENTAL AND EPILEPTIC ENCEPHALOPATHY 42A; EPILEPTIC ENCEPHALOPATHY, EARLY INFANTILE, 42A. Identifiers: MedGen C4310716, MONDO:0014917, OMIM 617106.

Submission:

Labcorp Genetics (formerly Invitae), Labcorp
Classification: Uncertain significance for Developmental and epileptic encephalopathy, 42; Episodic ataxia type 2. Last evaluated: 2024-07-25. Review status: criteria provided, single submitter. Criteria: Invitae Variant Classification Sherloc (09022015). Collection method: clinical testing. Allele origin: germline.
Comment: This sequence change replaces methionine, which is neutral and non-polar, with threonine, which is neutral and polar, at codon 1522 of the CACNA1A protein (p.Met1522Thr). This variant is not present in population databases (gnomAD no frequency). This variant has not been reported in the literature in individuals affected with CACNA1A-related conditions. Advanced modeling of protein sequence and biophysical properties (such as structural, functional, and spatial information, amino acid conservation, physicochemical variation, residue mobility, and thermodynamic stability) performed at Invitae indicates that this missense variant is expected to disrupt CACNA1A protein function with a positive predictive value of 95%. In summary, the available evidence is currently insufficient to determine the role of this variant in disease. Therefore, it has been classified as a Variant of Uncertain Significance.

NM_001127222.2(CACNA1A):c.4562T>C (p.Met1521Thr)

Gene: CACNA1A (calcium voltage-gated channel subunit alpha1 A; minus strand). Cytogenetic location: 19p13.13.
Variant type: single nucleotide variant.
Coding change: c.4562T>C on transcript NM_001127222.2 (MANE Select); coding-DNA position 4562, T replaced by C.
Protein change: p.Met1521Thr; replaces methionine 1521 with threonine.
Molecular consequence: missense variant.
Genome position (GRCh38, 1-based): chr19:13,257,378, A>G on the plus strand (T>C on the coding strand, the complement: CACNA1A is on the minus strand). VCF-style: chr19-13257378-A-G. GRCh37 (hg19) VCF-style: chr19-13368192-A-G.
Other names: c.4574T>C, p.Met1525Thr (NM_000068.4, NM_023035.3); c.4565T>C, p.Met1522Thr (NM_001127221.2, NM_001174080.2); short protein forms M1521T, M1522T, M1525T.
Identifiers: ClinVar variation 3754155 (VCV003754155.2).